The following is an entry in ClinVar:

ClinVar aggregate classification (germline): Benign/Likely benign. Review status: criteria provided, multiple submitters, no conflicts (2 of 4 stars). 8 submissions from 8 submitters: Benign (6); Likely benign (2). Last evaluated 2026-08-01.

Conditions:
Autosomal recessive nonsyndromic hearing loss 3. Also called: NEUROSENSORY NONSYNDROMIC RECESSIVE DEAFNESS 3. Identifiers: Orphanet 90636, MedGen C1838263, MONDO:0010860, OMIM 600316.

Allele frequency attached by ClinVar (database versions not stated): ESP Exome Variant Server 0.00024; gnomAD 0.00151 and 0.00278; TOPMed 0.00339; ExAC 0.00640; gnomAD exomes 0.00642; 1000 Genomes Project 30x 0.01249; 1000 Genomes Project 0.01258.
gnomAD v4.1: 4,451 of 1,613,360 alleles (0.28%); highest among the groups gnomAD compares: South Asian, 3.7%; 121 homozygotes.

Submissions (8):

CeGaT Center for Human Genetics Tuebingen
Classification: Benign. Last evaluated: 2026-08-01. Review status: criteria provided, single submitter. Criteria: CeGaT Center For Human Genetics Tuebingen Variant Classification Criteria Version 2. Collection method: clinical testing. Allele origin: germline. Affected: yes. Observed: 7 variant alleles.
Comment: MYO15A: BS1, BS2

Labcorp Genetics (formerly Invitae), Labcorp
Classification: Benign. Last evaluated: 2026-01-28. Review status: criteria provided, single submitter. Criteria: Invitae Variant Classification Sherloc (09022015). Collection method: clinical testing. Allele origin: germline.

ARUP Laboratories, Molecular Genetics and Genomics, ARUP Laboratories
Classification: Benign for Autosomal recessive nonsyndromic hearing loss 3. Last evaluated: 2023-11-11. Review status: criteria provided, single submitter. Criteria: ARUP Molecular Germline Variant Investigation Process 2024. Collection method: clinical testing. Allele origin: germline.

GeneDx
Classification: Benign. Last evaluated: 2018-05-23. Review status: criteria provided, single submitter. Criteria: GeneDx Variant Classification (06012015). Collection method: clinical testing. Allele origin: germline. Affected: yes.
Comment: This variant is considered likely benign or benign based on one or more of the following criteria: it is a conservative change, it occurs at a poorly conserved position in the protein, it is predicted to be benign by multiple in silico algorithms, and/or has population frequency not consistent with disease.

Illumina Laboratory Services, Illumina
Classification: Likely benign for Autosomal recessive nonsyndromic hearing loss 3. Last evaluated: 2017-04-28. Review status: criteria provided, single submitter. Criteria: ICSL Variant Classification Criteria 13 December 2019. Collection method: clinical testing. Allele origin: germline.
Comment: This variant was observed as part of a predisposition screen in an ostensibly healthy population. A literature search was performed for the gene, cDNA change, and amino acid change (where applicable). Publications were found based on this search. The evidence from the literature, in combination with allele frequency data from public databases where available, was sufficient to determine this variant is unlikely to cause disease. Therefore, this variant is classified as likely benign.

Eurofins Ntd Llc (ga)
Classification: Benign. Last evaluated: 2017-01-23. Review status: criteria provided, single submitter. Criteria: EGL Classification Definitions 2015. Collection method: clinical testing. Allele origin: germline. Observed: 2 variant alleles, 2 heterozygotes.

Laboratory for Molecular Medicine, Mass General Brigham Personalized Medicine
Classification: Benign. Last evaluated: 2015-06-18. Review status: criteria provided, single submitter. Criteria: LMM Criteria. Collection method: clinical testing. Allele origin: germline. Observed: 9 variant alleles.
Comment: p.Ser3525Gly in exon 66 of MYO15A: This variant is not expected to have clinical significance because it has been identified in 3.6% (589/16462; 18 homozygotes) of South Asian chromosomes by the Exome Aggregation Consortium (ExAC; dbSNP rs182332665).

Breakthrough Genomics
Classification: Likely benign. Review status: criteria provided, single submitter. Criteria: ACMG Guidelines, 2015. Collection method: not provided. Allele origin: germline. Inheritance: Autosomal recessive inheritance. Affected: yes.

Literature cited by the submitters: PubMed 26399936 (cited by Illumina Laboratory Services, Illumina).

NM_016239.4(MYO15A):c.10573A>G (p.Ser3525Gly)

Gene: MYO15A (myosin XVA; plus strand). Cytogenetic location: 17p11.2.
Variant type: single nucleotide variant.
Coding change: c.10573A>G on transcript NM_016239.4 (MANE Select); coding-DNA position 10573, A replaced by G.
Protein change: p.Ser3525Gly; replaces serine 3525 with glycine.
Molecular consequence: missense variant.
Genome position (GRCh38, 1-based): chr17:18,178,850, A>G. VCF-style: chr17-18178850-A-G. GRCh37 (hg19) VCF-style: chr17-18082164-A-G.
Other names: short protein forms S3525G.
Identifiers: ClinVar variation 226775 (VCV000226775.60), dbSNP rs182332665, ClinGen allele CA8425995.